The following is an entry in ClinVar:

NM_001048174.2(MUTYH):c.881G>A (p.Ser294Asn)

Gene: MUTYH (mutY DNA glycosylase; minus strand). Cytogenetic location: 1p34.1.
Variant type: single nucleotide variant.
Coding change: c.881G>A on transcript NM_001048174.2 (MANE Select); coding-DNA position 881, G replaced by A.
Protein change: p.Ser294Asn; replaces serine 294 with asparagine.
Molecular consequence: missense variant. On other transcripts: non-coding transcript variant (2).
Genome position (GRCh38, 1-based): chr1:45,332,055, C>T on the plus strand (G>A on the coding strand, the complement: MUTYH is on the minus strand). VCF-style: chr1-45332055-C-T. GRCh37 (hg19) VCF-style: chr1-45797727-C-T.
Other names: c.881G>A, p.Ser294Asn (NM_001048171.2, NM_001048173.2, NM_001293195.2); c.884G>A, p.Ser295Asn (NM_001048172.2); c.965G>A, p.Ser322Asn (NM_001128425.2); c.926G>A, p.Ser309Asn (NM_001293190.2); c.914G>A, p.Ser305Asn (NM_001293191.2); c.605G>A, p.Ser202Asn (NM_001293192.2, NM_001293196.2); c.536G>A, p.Ser179Asn (NM_001350650.2, NM_001350651.2); c.956G>A, p.Ser319Asn (NM_012222.3); short protein forms S322N, S305N, S309N, S179N, S202N, S294N, S295N, S319N.
Identifiers: ClinVar variation 533311 (VCV000533311.13), dbSNP rs587781810, ClinGen allele CA340134122.

ClinVar aggregate classification (germline): Conflicting classifications of pathogenicity. Review status: criteria provided, conflicting classifications (1 of 4 stars). 2 submissions from 2 submitters: Uncertain significance (1); Likely benign (1). Last evaluated 2024-02-01.

Conditions:
Hereditary cancer-predisposing syndrome. Also called: Tumor predisposition; Hereditary neoplastic syndrome; Neoplastic Syndromes, Hereditary; Hereditary Cancer Syndrome. Identifiers: Orphanet 140162, MedGen C0027672, MeSH D009386, MONDO:0015356.
Familial adenomatous polyposis 2. Also called: MUTYH Polyposis; COLORECTAL ADENOMATOUS POLYPOSIS, AUTOSOMAL RECESSIVE; ADENOMAS, MULTIPLE COLORECTAL, AUTOSOMAL RECESSIVE; MUTYH-associated polyposis; MUTYH-related attenuated familial adenomatous polyposis; Adenomas, multiple colorectal. Identifiers: Orphanet 220460, Orphanet 247798, MedGen C3272841, MONDO:0012041, OMIM 608456.

Allele frequency attached by ClinVar (database versions not stated): gnomAD exomes below 0.00001.

Submissions (2):

Ambry Genetics
Classification: Likely benign for Hereditary cancer-predisposing syndrome. Last evaluated: 2024-02-01. Review status: criteria provided, single submitter. Criteria: Ambry Variant Classification Scheme 2023. Collection method: clinical testing. Allele origin: germline.

Labcorp Genetics (formerly Invitae), Labcorp
Classification: Uncertain significance for Familial adenomatous polyposis 2. Last evaluated: 2022-10-20. Review status: criteria provided, single submitter. Criteria: Invitae Variant Classification Sherloc (09022015). Collection method: clinical testing. Allele origin: germline.
Comment: This variant is present in population databases (no rsID available, gnomAD 0.0009%). This sequence change replaces serine, which is neutral and polar, with asparagine, which is neutral and polar, at codon 322 of the MUTYH protein (p.Ser322Asn). This variant has not been reported in the literature in individuals affected with MUTYH-related conditions. In summary, the available evidence is currently insufficient to determine the role of this variant in disease. Therefore, it has been classified as a Variant of Uncertain Significance. Experimental studies have shown that this missense change does not substantially affect MUTYH function (PMID: 26694661). Algorithms developed to predict the effect of missense changes on protein structure and function output the following: SIFT: "Tolerated"; PolyPhen-2: "Benign"; Align-GVGD: "Class C0". The asparagine amino acid residue is found in multiple mammalian species, which suggests that this missense change does not adversely affect protein function. ClinVar contains an entry for this variant (Variation ID: 533311). This variant is also known as S294N.

Literature cited by the submitters: PubMed 26694661 (cited by Labcorp Genetics (formerly Invitae), Labcorp).